The following is an entry in ClinVar:

NM_015046.7(SETX):c.7660T>C (p.Phe2554Leu)

Gene: SETX (senataxin; minus strand). Cytogenetic location: 9q34.13.
Variant type: single nucleotide variant.
Coding change: c.7660T>C on transcript NM_015046.7 (MANE Select); coding-DNA position 7660, T replaced by C.
Protein change: p.Phe2554Leu; replaces phenylalanine 2554 with leucine.
Molecular consequence: missense variant.
Genome position (GRCh38, 1-based): chr9:132,264,613, A>G on the plus strand (T>C on the coding strand, the complement: SETX is on the minus strand). VCF-style: chr9-132264613-A-G. GRCh37 (hg19) VCF-style: chr9-135140000-A-G.
Other names: c.7660T>C, p.Phe2554Leu (NM_001351527.2); c.7747T>C, p.Phe2583Leu (NM_001351528.2); short protein forms F2554L, F2583L.
Identifiers: ClinVar variation 568960 (VCV000568960.14), dbSNP rs368269464, ClinGen allele CA5296363.

ClinVar aggregate classification (germline): Conflicting classifications of pathogenicity. Review status: criteria provided, conflicting classifications (1 of 4 stars). 3 submissions from 3 submitters: Uncertain significance (2); Benign (1). Last evaluated 2024-04-18.

Conditions:
Amyotrophic lateral sclerosis type 4 (ALS4). Also called: AMYOTROPHIC LATERAL SCLEROSIS 4, JUVENILE; NEURONOPATHY, DISTAL HEREDITARY MOTOR, WITH PYRAMIDAL FEATURES. Identifiers: Orphanet 357043, MedGen C1865409, MONDO:0011223, OMIM 602433.
Spinocerebellar ataxia, autosomal recessive, with axonal neuropathy 2 (SCAN2). Also called: ATAXIA-OCULOMOTOR APRAXIA 2; Ataxia-ocular apraxia-2; Ataxia with Oculomotor Apraxia; Ataxia with Oculomotor Apraxia Type 2. Identifiers: Orphanet 64753, MedGen C1853761, MONDO:0018996, OMIM 606002.

Allele frequency attached by ClinVar (database versions not stated): TOPMed 0.00001.
gnomAD v4.1: 14 of 1,614,164 alleles (0.00087%); highest among the groups gnomAD compares: East Asian, 0.0089%; no homozygotes.

Submissions (3):

Labcorp Genetics (formerly Invitae), Labcorp
Classification: Benign for Amyotrophic lateral sclerosis type 4; Spinocerebellar ataxia, autosomal recessive, with axonal neuropathy 2. Last evaluated: 2024-04-18. Review status: criteria provided, single submitter. Criteria: Invitae Variant Classification Sherloc (09022015). Collection method: clinical testing. Allele origin: germline.

Athena Diagnostics
Classification: Uncertain significance. Last evaluated: 2022-11-07. Review status: criteria provided, single submitter. Criteria: Athena Diagnostics Criteria. Collection method: clinical testing. Allele origin: unknown.
Comment: Available data are insufficient to determine the clinical significance of the variant at this time. The frequency of this variant in the general population is uninformative in assessment of its pathogenicity. Computational tools predict that this variant is not damaging.

ARUP Laboratories, Molecular Genetics and Genomics, ARUP Laboratories
Classification: Uncertain significance. Last evaluated: 2022-06-22. Review status: criteria provided, single submitter. Criteria: ARUP Molecular Germline Variant Investigation Process 2021. Collection method: clinical testing. Allele origin: germline.
Comment: The SETX c.7660T>C, p.Phe2554Leu variant (rs368269464), to our knowledge, is not reported in the medical literature but is reported in ClinVar (Variation ID: 568960). This variant is only observed on three alleles in the Genome Aggregation Database, indicating it is not a common polymorphism. The phenylalanine at codon 2554 is weakly conserved, but computational analyses are uncertain whether this variant is neutral or deleterious (REVEL: 0.244). Due to limited information, the clinical significance of this variant is uncertain at this time.

Literature cited by the submitters: PubMed 34565360 (cited by Athena Diagnostics).